The following is an entry in ClinVar:

ClinVar aggregate classification (germline): Conflicting classifications of pathogenicity. Review status: criteria provided, conflicting classifications (1 of 4 stars). 5 submissions from 5 submitters: Likely pathogenic (1); Uncertain significance (4). Last evaluated 2025-12-04.

Conditions:
Inborn genetic diseases. Identifiers: MedGen C0950123, MeSH D030342.
Bartter disease type 2. Also called: HYPERPROSTAGLANDIN E SYNDROME 2; HYPOKALEMIC ALKALOSIS WITH HYPERCALCIURIA 2, ANTENATAL; Bartter syndrome, type 2, antenatal. Identifiers: Orphanet 112, Orphanet 620220, MedGen C1855849, MONDO:0009424, OMIM 241200.

Allele frequency attached by ClinVar (database versions not stated): gnomAD exomes 0.00003 and 0.00013; gnomAD 0.00007; TOPMed 0.00008; ExAC 0.00013.
gnomAD v4.1: 56 of 1,613,620 alleles (0.0035%); highest among the groups gnomAD compares: Admixed American, 0.07%; no homozygotes.

Submissions (5):

Ambry Genetics
Classification: Uncertain significance for Inborn genetic diseases. Last evaluated: 2025-12-04. Review status: criteria provided, single submitter. Criteria: Ambry Variant Classification Scheme 2023. Collection method: clinical testing. Allele origin: germline.
Comment: The c.563G>A (p.R188H) alteration is located in exon 2 (coding exon 2) of the KCNJ1 gene. This alteration results from a G to A substitution at nucleotide position 563, causing the arginine (R) at amino acid position 188 to be replaced by a histidine (H). Based on data from gnomAD, the A allele has an overall frequency of 0.013% (32/249882) total alleles studied. The highest observed frequency was 0.09% (31/34552) of Latino alleles. Based on insufficient or conflicting evidence, the clinical significance of this alteration remains unclear.

Rare Kidney Stone Consortium and the Mayo Clinic Hyperoxaluria Center, Mayo Clinic
Classification: Likely pathogenic for Bartter disease type 2. Last evaluated: 2025-10-03. Review status: criteria provided, single submitter. Criteria: ACMG Guidelines, 2015. Collection method: research. Allele origin: germline. Affected: yes. Observed: 2 variant alleles.
Comment: ACMG:PM1, PM2, PM3, PM5, PP2, PP3

Women's Health and Genetics/Laboratory Corporation of America, LabCorp
Classification: Uncertain significance. Last evaluated: 2024-08-14. Review status: criteria provided, single submitter. Criteria: LabCorp Variant Classification Summary - May 2015. Collection method: clinical testing. Allele origin: germline.
Comment: Variant summary: KCNJ1 c.563G>A (p.Arg188His) results in a non-conservative amino acid change in the encoded protein sequence. Five of five in-silico tools predict a damaging effect of the variant on protein function. The variant allele was found at a frequency of 0.00013 in 249882 control chromosomes. This frequency is not significantly higher than estimated for a pathogenic variant in KCNJ1 causing Bartter Syndrome, Type 2 (0.00013 vs 0.0011), allowing no conclusion about variant significance. c.563G>A has not, to our knowledge, been reported in the literature in individuals affected with Bartter Syndrome, Type 2. At least one publication reports experimental evidence evaluating an impact on protein function, which showed the variant conferred a gain in regulated-inhibitory gating (Fang_2010). ClinVar contains an entry for this variant (Variation ID: 1362906). Based on the evidence outlined above, the variant was classified as uncertain significance.

Fulgent Genetics
Classification: Uncertain significance for Bartter disease type 2. Last evaluated: 2024-03-06. Review status: criteria provided, single submitter. Criteria: ACMG Guidelines, 2015. Collection method: clinical testing. Allele origin: germline.

Labcorp Genetics (formerly Invitae), Labcorp
Classification: Uncertain significance. Last evaluated: 2022-05-25. Review status: criteria provided, single submitter. Criteria: Invitae Variant Classification Sherloc (09022015). Collection method: clinical testing. Allele origin: germline.
Comment: This sequence change replaces arginine, which is basic and polar, with histidine, which is basic and polar, at codon 188 of the KCNJ1 protein (p.Arg188His). This variant is present in population databases (rs759992526, gnomAD 0.08%). This missense change has been observed in individual(s) with clinical features of Bartter syndrome (Invitae). In at least one individual the data is consistent with being in trans (on the opposite chromosome) from a pathogenic variant. Algorithms developed to predict the effect of missense changes on protein structure and function are either unavailable or do not agree on the potential impact of this missense change (SIFT: "Deleterious"; PolyPhen-2: "Probably Damaging"; Align-GVGD: "Class C0"). Experimental studies have shown that this missense change affects KCNJ1 function (PMID: 20926634). In summary, the available evidence is currently insufficient to determine the role of this variant in disease. Therefore, it has been classified as a Variant of Uncertain Significance.

Literature cited by the submitters: PubMed 18391953 (cited by Rare Kidney Stone Consortium and the Mayo Clinic Hyperoxaluria Center, Mayo Clinic and Women's Health and Genetics/Laboratory Corporation of America, LabCorp); PubMed 40794449 (cited by Rare Kidney Stone Consortium and the Mayo Clinic Hyperoxaluria Center, Mayo Clinic); PubMed 20926634 (cited by Women's Health and Genetics/Laboratory Corporation of America, LabCorp and Labcorp Genetics (formerly Invitae), Labcorp).

NM_153766.3(KCNJ1):c.506G>A (p.Arg169His)

Gene: KCNJ1 (potassium inwardly rectifying channel subfamily J member 1; minus strand). Cytogenetic location: 11q24.3.
Variant type: single nucleotide variant.
Coding change: c.506G>A on transcript NM_153766.3 (MANE Select); coding-DNA position 506, G replaced by A.
Protein change: p.Arg169His; replaces arginine 169 with histidine.
Molecular consequence: missense variant.
Genome position (GRCh38, 1-based): chr11:128,839,738, C>T on the plus strand (G>A on the coding strand, the complement: KCNJ1 is on the minus strand). VCF-style: chr11-128839738-C-T. GRCh37 (hg19) VCF-style: chr11-128709633-C-T.
Other names: c.563G>A, p.Arg188His (NM_000220.6); c.506G>A, p.Arg169His (NM_153764.3, NM_153767.4); c.557G>A, p.Arg186His (NM_153765.3); c.563G>A (NM_000220.2); short protein forms R169H, R186H, R188H.
Identifiers: ClinVar variation 1362906 (VCV001362906.10), dbSNP rs759992526, ClinGen allele CA6357504.